The following is an entry in ClinVar:

NM_001350451.2(RBFOX3):c.709A>G (p.Thr237Ala)

Gene: RBFOX3 (RNA binding fox-1 homolog 3; minus strand). Cytogenetic location: 17q25.3.
Variant type: single nucleotide variant.
Coding change: c.709A>G on transcript NM_001350451.2 (MANE Select); coding-DNA position 709, A replaced by G.
Protein change: p.Thr237Ala; replaces threonine 237 with alanine.
Molecular consequence: missense variant.
Genome position (GRCh38, 1-based): chr17:79,097,338, T>C on the plus strand (A>G on the coding strand, the complement: RBFOX3 is on the minus strand). VCF-style: chr17-79097338-T-C. GRCh37 (hg19) VCF-style: chr17-77093420-T-C.
Other names: c.709A>G, p.Thr237Ala (NM_001082575.3, NM_001350453.2, NM_001385804.1 and 33 more transcripts); c.706A>G, p.Thr236Ala (NM_001385806.1, NM_001385822.1, NM_001385823.1 and 4 more transcripts); c.616A>G, p.Thr206Ala (NM_001385824.1); c.730A>G, p.Thr244Ala (NM_001385827.1); c.562A>G, p.Thr188Ala (NM_001385847.1); c.709A>G (NM_001082575.1); short protein forms T237A, T188A, T206A, T236A, T244A.
Identifiers: ClinVar variation 834172 (VCV000834172.11), dbSNP rs551476510, ClinGen allele CA294779851.
Genomic context (GRCh38, chr17:79,097,338, plus strand): 5'-GCCCAGGTACTCACGCTCCGTAAGTCGGGATGGGGGGTGGGGGTGGCGCAGCCCGAAATG[T>C]ATTATACACGGCCCGGCCCCGGCCCCGAAGATGTGCGCCCCGGTAGGCAACGGCTGTGCC-3'
Protein context (NP_001337380.1, residues 227-247): LRGRGRAVYN[Thr237Ala]FRAAPPPPPI

ClinVar aggregate classification (germline): Uncertain significance. Review status: criteria provided, multiple submitters, no conflicts (2 of 4 stars). 2 submissions from 2 submitters: Uncertain significance (2). Last evaluated 2022-02-10.

Conditions:
Idiopathic generalized epilepsy. Also called: EIG; Generalised epilepsy. Identifiers: MedGen C0270850, MONDO:0005579, OMIM 600669.

Allele frequency attached by ClinVar (database versions not stated): gnomAD 0.00001 and 0.00003; TOPMed 0.00001; gnomAD exomes 0.00005 and 0.00010; 1000 Genomes Project 30x 0.00016; 1000 Genomes Project 0.00020.
gnomAD v4.1: 136 of 1,547,826 alleles (0.0088%); highest among the groups gnomAD compares: East Asian, 0.33%; 1 homozygote.

Submissions (2):

Ambry Genetics
Classification: Uncertain significance. Last evaluated: 2022-02-10. Review status: criteria provided, single submitter. Criteria: Ambry Variant Classification Scheme 2023. Collection method: clinical testing. Allele origin: germline.

Labcorp Genetics (formerly Invitae), Labcorp
Classification: Uncertain significance for Idiopathic generalized epilepsy. Last evaluated: 2019-04-03. Review status: criteria provided, single submitter. Criteria: Invitae Variant Classification Sherloc (09022015). Collection method: clinical testing. Allele origin: germline.
Comment: This sequence change replaces threonine with alanine at codon 237 of the RBFOX3 protein (p.Thr237Ala). The threonine residue is moderately conserved and there is a small physicochemical difference between threonine and alanine. The frequency data for this variant in the population databases is considered unreliable, as metrics indicate insufficient coverage at this position in the ExAC database. In summary, the available evidence is currently insufficient to determine the role of this variant in disease. Therefore, it has been classified as a Variant of Uncertain Significance. Algorithms developed to predict the effect of missense changes on protein structure and function (SIFT, PolyPhen-2, Align-GVGD) all suggest that this variant is likely to be tolerated, but these predictions have not been confirmed by published functional studies and their clinical significance is uncertain. This variant has not been reported in the literature in individuals with RBFOX3-related conditions.